The following is an entry in ClinVar:

NM_001038.6(SCNN1A):c.2004G>T (p.Gly668=)

Gene: SCNN1A (sodium channel epithelial 1 subunit alpha; minus strand). Cytogenetic location: 12p13.31.
Variant type: single nucleotide variant.
Coding change: c.2004G>T on transcript NM_001038.6 (MANE Select); coding-DNA position 2004, G replaced by T.
Protein change: p.Gly668=; no amino-acid change (glycine 668 retained).
Molecular consequence: synonymous variant.
Genome position (GRCh38, 1-based): chr12:6,347,879, C>A on the plus strand (G>T on the coding strand, the complement: SCNN1A is on the minus strand). VCF-style: chr12-6347879-C-A. GRCh37 (hg19) VCF-style: chr12-6457045-C-A.
Other names: c.2073G>T, p.Gly691= (NM_001159575.2); c.2181G>T, p.Gly727= (NM_001159576.2).
Identifiers: ClinVar variation 882060 (VCV000882060.4), dbSNP rs539360032, ClinGen allele CA6405668.

ClinVar aggregate classification (germline): Conflicting classifications of pathogenicity. Review status: criteria provided, conflicting classifications (1 of 4 stars). 2 submissions from 1 submitter: Uncertain significance (1); Benign (1). Last evaluated 2018-01-12.

Conditions:
Pseudohypoaldosteronism, type IB1, autosomal recessive. Also called: PHA I, AUTOSOMAL RECESSIVE; Pseudohypoaldosteronism, Type I, Recessive; Autosomal recessive pseudohypoaldosteronism type 1; Pseudohypoaldosteronism, Type I, Autosomal Recessive. Identifiers: Orphanet 171876, Orphanet 756, MedGen C5774176, MONDO:0009917, OMIM 264350.
Bronchiectasis with or without elevated sweat chloride 2 (BESC2). Identifiers: Orphanet 60033, MedGen C2751666, MONDO:0013087, OMIM 613021.

Allele frequency attached by ClinVar (database versions not stated): TOPMed 0.00001; 1000 Genomes Project 30x 0.00016; 1000 Genomes Project 0.00020.
gnomAD v4.1: 131 of 1,597,730 alleles (0.0082%); highest among the groups gnomAD compares: South Asian, 0.14%; 1 homozygote.

Submissions (2):

Illumina Laboratory Services, Illumina
Classification: Benign for Bronchiectasis with or without elevated sweat chloride 2. Last evaluated: 2018-01-12. Review status: criteria provided, single submitter. Criteria: ICSL Variant Classification Criteria 13 December 2019. Collection method: clinical testing. Allele origin: germline.
Comment: This variant was observed in the ICSL laboratory as part of a predisposition screen in an ostensibly healthy population. It had not been previously curated by ICSL or reported in the Human Gene Mutation Database (HGMD: prior to June 1st, 2018), and was therefore a candidate for classification through an automated scoring system. Utilizing variant allele frequency, disease prevalence and penetrance estimates, and inheritance mode, an automated score was calculated to assess if this variant is too frequent to cause the disease. Based on the score and internal cut-off values, a variant classified as benign is not then subjected to further curation. The score for this variant resulted in a classification of benign for this disease.

Illumina Laboratory Services, Illumina
Classification: Uncertain significance for Pseudohypoaldosteronism, type IB1, autosomal recessive. Last evaluated: 2018-01-12. Review status: criteria provided, single submitter. Criteria: ICSL Variant Classification Criteria 13 December 2019. Collection method: clinical testing. Allele origin: germline.